The following is an entry in ClinVar:

NM_000051.4(ATM):c.3014A>G (p.Asn1005Ser)

Gene: ATM (ATM serine/threonine kinase; plus strand). Cytogenetic location: 11q22.3.
Variant type: single nucleotide variant.
Coding change: c.3014A>G on transcript NM_000051.4 (MANE Select); coding-DNA position 3014, A replaced by G.
Protein change: p.Asn1005Ser; replaces asparagine 1005 with serine.
Molecular consequence: missense variant.
Genome position (GRCh38, 1-based): chr11:108,271,343, A>G. VCF-style: chr11-108271343-A-G. GRCh37 (hg19) VCF-style: chr11-108142070-A-G.
Other names: p.N1005S:AAT>AGT; c.3014A>G, p.Asn1005Ser (NM_001351834.2); short protein forms N1005S.
Identifiers: ClinVar variation 127366 (VCV000127366.84), dbSNP rs146531614, ClinGen allele CA208751.

ClinVar aggregate classification (germline): Conflicting classifications of pathogenicity. Review status: criteria provided, conflicting classifications (1 of 4 stars). 24 submissions from 23 submitters: Uncertain significance (9); Benign (4); Likely benign (8). 3 of the submissions do not count toward it. Last evaluated 2026-02-03.

Conditions:
ATM-related disorder. Also called: ATM-related disorders; ATM-related condition.
Breast and/or ovarian cancer. Identifiers: MedGen CN221562.
Hereditary cancer. Identifiers: MedGen C1333600.
Hereditary cancer-predisposing syndrome. Also called: Tumor predisposition; Hereditary neoplastic syndrome; Neoplastic Syndromes, Hereditary; Hereditary Cancer Syndrome. Identifiers: Orphanet 140162, MedGen C0027672, MeSH D009386, MONDO:0015356.
Familial cancer of breast. Also called: Hereditary breast cancer; hereditary breast carcinoma; BREAST CANCER, FAMILIAL. Identifiers: Orphanet 227535, MedGen C0346153, MONDO:0016419, OMIM 114480. Disease mechanism: loss of function.
Ataxia-telangiectasia syndrome (AT). Also called: LOUIS-BAR SYNDROME; Ataxia-telangiectasia; Ataxia telangiectasia (A-T); Cerebello-oculocutaneous telangiectasia; Immunodeficiency with ataxia telangiectasia; Ataxia-telangiectasia, complementation group D. Identifiers: Orphanet 100, MedGen C0004135, MONDO:0008840, OMIM 208900.
Malignant tumor of breast. Also called: Malignant breast neoplasm; Cancer breast. Identifiers: MedGen C0006142, MONDO:0007254. Disease mechanism: loss of function.

Allele frequency attached by ClinVar (database versions not stated): gnomAD exomes 0.00018 and 0.00038; TOPMed 0.00025; gnomAD 0.00027 and 0.00028; ExAC 0.00029; ESP Exome Variant Server 0.00031.
gnomAD v4.1: 318 of 1,613,950 alleles (0.02%); highest among the groups gnomAD compares: Admixed American, 0.03%; 1 homozygote.

Submissions 1 to 16 of 24:

Labcorp Genetics (formerly Invitae), Labcorp
Classification: Benign for Ataxia-telangiectasia syndrome. Last evaluated: 2026-02-03. Review status: criteria provided, single submitter. Criteria: Invitae Variant Classification Sherloc (09022015). Collection method: clinical testing. Allele origin: germline.

Molecular Pathology, Peter Maccallum Cancer Centre
Classification: Likely benign for Ataxia-telangiectasia syndrome. Last evaluated: 2025-03-26. Review status: criteria provided, single submitter. Criteria: ACMG Guidelines, 2015. Collection method: clinical testing. Allele origin: germline. Inheritance: Autosomal recessive inheritance.

Blueprint Genetics
Classification: Likely benign. Last evaluated: 2024-11-13. Review status: criteria provided, single submitter. Criteria: ACMG Guidelines, 2015. Collection method: clinical testing. Allele origin: germline.

Mendelics
Classification: Likely benign for Hereditary cancer. Last evaluated: 2024-09-11. Review status: criteria provided, single submitter. Criteria: ACMG Guidelines, 2015. Collection method: clinical testing. Allele origin: unknown.
Comment: This variant is considered likely benign or benign based on one or more of the following: it is predicted to be benign by multiple in silico algorithms, and/or has population frequency not consistent with disease, and/or has normal protein function, and/or has lack of segregation with disease, and/or has been detected in co-occurrence with known pathogenic variant, and/or has lack of disease association in case-control studies, and/or is located in a region inconsistent with a known cause of pathogenicity.

St. Jude Molecular Pathology, St. Jude Children's Research Hospital
Classification: Uncertain significance for Ataxia-telangiectasia syndrome. Last evaluated: 2024-07-05. Review status: criteria provided, single submitter. Criteria: St. Jude Assertion Criteria 2020. Collection method: clinical testing. Allele origin: germline.
Comment: The ATM c.3014A>G (p.Asn1005Ser) missense change has a maximum subpopulation frequency of 0.048% in gnomAD v2.1.1. The in silico tool REVEL predicts a benign effect on protein function, but to our knowledge this prediction has not been confirmed by functional studies. This variant has been reported in an individual with breast cancer (PMID: 26976419). This variant has been reported in 4 individuals in a database of women older than 70 years of age who have never had cancer (FLOSSIES database). To our knowledge, this variant has not been reported in individuals with ataxia telangiectasia. In summary, the evidence currently available is insufficient to determine the clinical significance of this variant. It has therefore been classified as of uncertain significance.

Myriad Genetics, Inc.
Classification: Likely benign for Familial cancer of breast. Last evaluated: 2024-05-13. Review status: criteria provided, single submitter. Criteria: Myriad Autosomal Dominant, Autosomal Recessive and X-Linked Classification Criteria (2023). Collection method: clinical testing. Allele origin: unknown.
Comment: This variant is considered likely benign. This variant is strongly associated with less severe personal and family histories of cancer, typical for individuals without pathogenic variants in this gene [PMID: 25085752].

CHEO Genetics Diagnostic Laboratory, Children's Hospital of Eastern Ontario
Classification: Uncertain significance for Breast and/or ovarian cancer. Last evaluated: 2023-05-23. Review status: criteria provided, single submitter. Criteria: ACMG Guidelines, 2015. Collection method: clinical testing. Allele origin: germline.

St. Jude Molecular Pathology, St. Jude Children's Research Hospital
Classification: Uncertain significance for Familial cancer of breast. Last evaluated: 2022-08-30. Review status: criteria provided, single submitter. Criteria: St. Jude Assertion Criteria 2020. Collection method: clinical testing. Allele origin: germline.
Comment: the same text as in the submission from St. Jude Molecular Pathology, St. Jude Children's Research Hospital above.

CeGaT Center for Human Genetics Tuebingen
Classification: Likely benign. Last evaluated: 2022-08-01. Review status: criteria provided, single submitter. Criteria: CeGaT Center For Human Genetics Tuebingen Variant Classification Criteria Version 2. Collection method: clinical testing. Allele origin: germline. Affected: yes. Observed: 3 variant alleles.
Comment: ATM: BP1, BP4

Quest Diagnostics Nichols Institute San Juan Capistrano
Classification: Benign. Last evaluated: 2022-05-06. Review status: criteria provided, single submitter. Criteria: Quest Diagnostics criteria. Collection method: clinical testing. Allele origin: unknown.

Sema4
Classification: Likely benign for Hereditary cancer-predisposing syndrome. Last evaluated: 2021-08-04. Review status: criteria provided, single submitter. Criteria: Sema4 Curation Guidelines. Collection method: curation. Allele origin: germline.

Women's Health and Genetics/Laboratory Corporation of America, LabCorp
Classification: Benign. Last evaluated: 2021-02-25. Review status: criteria provided, single submitter. Criteria: LabCorp Variant Classification Summary - May 2015. Collection method: clinical testing. Allele origin: germline.
Comment: Variant summary: ATM c.3014A>G (p.Asn1005Ser) results in a conservative amino acid change in the encoded protein sequence. Five of five in-silico tools predict a benign effect of the variant on protein function. The variant allele was found at a frequency of 0.00039 in 253746 control chromosomes (gnomAD and Weitzel_2019), predominantly in the Ashkenazi Jewish cohort at an allele frequency of 0.0065. This frequency is approximately 6.5 fold of the estimated maximal expected allele frequency for a pathogenic variant in ATM causing Breast Cancer phenotype (0.001), strongly suggesting that the variant is a benign polymorphism found primarily in individuals of Ashkenazi Jewish origin. In addition, FLOSSIES (cohort of individuals older than 70 that never had cancer), this variant was also observed with an allele frequency of 0.0004047 (4/9884 individuals). c.3014A>G has been reported in the literature in individuals affected with breast cancer, ovarian cancer and in individuals with an increased risk of pancreatic cancer (Tung_2016, Lu _2015, Abe_2019). However, these reports do not provide unequivocal conclusions about association of the variant with Breast Cancer. To our knowledge, no experimental evidence demonstrating an impact on protein function has been reported. Ten clinical diagnostic laboratories have submitted clinical-significance assessments for this variant to ClinVar after 2014 without evidence for independent evaluation (Benign/likely benign n=3, VUS n=7). Based on the evidence outlined above, the variant was classified as benign.

Genetic Services Laboratory, University of Chicago
Classification: Likely benign. Last evaluated: 2019-08-15. Review status: criteria provided, single submitter. Criteria: ACMG Guidelines, 2015. Collection method: clinical testing. Allele origin: germline. Affected: no.

Illumina Laboratory Services, Illumina
Classification: Uncertain significance for Ataxia-telangiectasia syndrome. Last evaluated: 2018-01-13. Review status: criteria provided, single submitter. Criteria: ICSL Variant Classification Criteria 13 December 2019. Collection method: clinical testing. Allele origin: germline.

GeneDx
Classification: Uncertain significance. Last evaluated: 2017-11-14. Review status: criteria provided, single submitter. Criteria: GeneDx Variant Classification (06012015). Collection method: clinical testing. Allele origin: germline. Affected: yes.
Comment: This variant is denoted ATM c.3014A>G at the cDNA level, p.Asn1005Ser (N1005S) at the protein level, and results in the change of an Asparagine to a Serine (AAT>AGT). This variant has been reported in individuals with personal histories of breast, ovarian, and pancreatic cancer (Grant 2015, Lu 2015, Tung 2016, Decker 2017). This variant was reported in a multiethnic exome array study; however, no statistically significant association with breast cancer was identified after correcting for multiple comparisons (Haiman 2013). ATM Asn1005Ser was observed at an allele frequency of 0.65% (66/10,142 alleles) in individuals of Ashkenazi Jewish ancestry in large population cohorts (Lek 2016). This variant is located within the beta-adaptin interaction domain (Tavtigian 2009). In-silico analyses, including protein predictors and evolutionary conservation, support that this variant does not alter protein structure/function. Based on currently available evidence, it is unclear whether ATM Asn1005Ser is a pathogenic or benign variant. We consider it to be a variant of uncertain significance.

Fulgent Genetics
Classification: Uncertain significance for Familial cancer of breast; Ataxia-telangiectasia syndrome. Last evaluated: 2017-05-23. Review status: criteria provided, single submitter. Criteria: ACMG Guidelines, 2015. Collection method: clinical testing. Allele origin: unknown.